The following is an entry in ClinVar:

ClinVar aggregate classification (germline): Pathogenic (1 of 4 stars; one submission).

Conditions:
Hereditary cancer-predisposing syndrome. Also called: Neoplastic Syndromes, Hereditary; Tumor predisposition; Hereditary Cancer Syndrome; Hereditary neoplastic syndrome. Identifiers: Orphanet 140162, MedGen C0027672, MeSH D009386, MONDO:0015356.

Submission:

Color Diagnostics, LLC DBA Color Health
Classification: Pathogenic for Hereditary cancer-predisposing syndrome. Last evaluated: 2020-01-15. Review status: criteria provided, single submitter. Criteria: ACMG Guidelines, 2015. Collection method: clinical testing. Allele origin: germline.
Comment: This variant is located in the BRCA2 protein. Splice site prediction tools suggest that this variant may not impact RNA splicing. This variant has not been identified in the general population by the Genome Aggregation Database (gnomAD). Loss of BRCA2 function is a known mechanism of disease. Based on the available evidence, this variant is classified as Pathogenic.

NM_000059.4(BRCA2):c.5744_5745delinsTGCATT (p.Thr1915fs)

Gene: BRCA2 (BRCA2 DNA repair associated; plus strand). Cytogenetic location: 13q13.1.
Variant type: Indel.
Coding change: c.5744_5745delinsTGCATT on transcript NM_000059.4 (MANE Select); coding-DNA positions 5744 to 5745, CG replaced by TGCATT.
Protein change: p.Thr1915fs; shifts the reading frame from threonine 1915.
Molecular consequence: frameshift variant.
Genome position (GRCh38, 1-based): chr13:32,340,099-32,340,100, CG replaced by TGCATT. VCF-style: chr13-32340099-CG-TGCATT. GRCh37 (hg19) VCF-style: chr13-32914236-CG-TGCATT.
Other names: short protein forms T1915fs.
Identifiers: ClinVar variation 918915 (VCV000918915.3), dbSNP rs2072537450, ClinGen allele CA913188655.